The following is an entry in ClinVar:

ClinVar aggregate classification (germline): Uncertain significance. Review status: criteria provided, multiple submitters, no conflicts (2 of 4 stars). 2 submissions from 2 submitters: Uncertain significance (2). Last evaluated 2025-12-10.

Conditions:
Cardiovascular phenotype. Identifiers: MedGen CN230736.

Allele frequency attached by ClinVar (database versions not stated): gnomAD 0.00001; TOPMed below 0.00001.
gnomAD v4.1: 6 of 1,612,990 alleles (0.00037%); highest among the groups gnomAD compares: Non-Finnish European, 0.00051%; no homozygotes.

Submissions (2):

Labcorp Genetics (formerly Invitae), Labcorp
Classification: Uncertain significance. Last evaluated: 2025-12-10. Review status: criteria provided, single submitter. Criteria: Invitae Variant Classification Sherloc (09022015). Collection method: clinical testing. Allele origin: germline.
Comment: This sequence change replaces proline, which is neutral and non-polar, with leucine, which is neutral and non-polar, at codon 1210 of the ALPK3 protein (p.Pro1210Leu). This variant is not present in population databases (gnomAD no frequency). This variant has not been reported in the literature in individuals affected with ALPK3-related conditions. ClinVar contains an entry for this variant (Variation ID: 1733379). Invitae Evidence Modeling of protein sequence and biophysical properties (such as structural, functional, and spatial information, amino acid conservation, physicochemical variation, residue mobility, and thermodynamic stability) indicates that this missense variant is expected to disrupt ALPK3 protein function with a positive predictive value of 80%. In summary, the available evidence is currently insufficient to determine the role of this variant in disease. Therefore, it has been classified as a Variant of Uncertain Significance.

Ambry Genetics
Classification: Uncertain significance for Cardiovascular phenotype. Last evaluated: 2021-06-28. Review status: criteria provided, single submitter. Criteria: Ambry Variant Classification Scheme 2023. Collection method: clinical testing. Allele origin: germline.
Comment: The p.P1210L variant (also known as c.3629C>T), located in coding exon 6 of the ALPK3 gene, results from a C to T substitution at nucleotide position 3629. The proline at codon 1210 is replaced by leucine, an amino acid with similar properties. This amino acid position is highly conserved in available vertebrate species. In addition, the in silico prediction for this alteration is inconclusive. Since supporting evidence is limited at this time, the clinical significance of this alteration remains unclear.

NM_020778.5(ALPK3):c.3023C>T (p.Pro1008Leu)

Gene: ALPK3 (alpha kinase 3; plus strand). Cytogenetic location: 15q25.3.
Variant type: single nucleotide variant.
Coding change: c.3023C>T on transcript NM_020778.5 (MANE Select); coding-DNA position 3023, C replaced by T.
Protein change: p.Pro1008Leu; replaces proline 1008 with leucine.
Molecular consequence: missense variant.
Genome position (GRCh38, 1-based): chr15:84,857,761, C>T. VCF-style: chr15-84857761-C-T. GRCh37 (hg19) VCF-style: chr15-85400992-C-T.
Other names: short protein forms P1008L.
Identifiers: ClinVar variation 1733379 (VCV001733379.4), dbSNP rs1404577189, ClinGen allele CA393359450.
Genomic context (GRCh38, chr15:84,857,761, plus strand): 5'-CCGGAGGTCTGGTGCCCTCAGCCACTCTGACACCCACTGTGGAAGTGGCTGGGCTTAGTC[C>T]CCGGACATCGAGGCGCATCCTGGAGCGTGTGGAGAACAACCACCTGGTGCAGAGTGCACA-3'
Protein context (NP_065829.4, residues 998-1018): TPTVEVAGLS[Pro1008Leu]RTSRRILERV